The following is an entry in ClinVar:

NM_000170.3(GLDC):c.2316-13_2316-12dup

Gene: GLDC (glycine decarboxylase; minus strand). Cytogenetic location: 9p24.1.
Variant type: Duplication.
Coding change: c.2316-13_2316-12dup on transcript NM_000170.3 (MANE Select); 13 bases into the intron before coding-DNA position 2316 through 12 bases into the intron before coding-DNA position 2316, 2 bases duplicated (AA; older notation c.2316-13_2316-12dupAA).
Molecular consequence: intron variant.
Genome position (GRCh38, 1-based): chr9:6,553,515-6,553,516, TT duplicated on the plus strand (AA on the coding strand, the reverse complement: GLDC is on the minus strand); duplicating any 2 consecutive bases within chr9:6,553,515-6,553,522 gives the same sequence; the c. name uses the placement nearest the transcript's 3' end. VCF-style (leftmost placement, unchanged base first): chr9-6553514-A-ATT. GRCh37 (hg19) VCF-style: chr9-6553514-A-ATT.
Other names: c.2316-7_2316-6dup (NM_000170.3); c.2316-7_2316-6dupAA (NM_000170.2).
Identifiers: ClinVar variation 705437 (VCV000705437.19), dbSNP rs3215923, ClinGen allele CA4980266.

ClinVar aggregate classification (germline): Benign/Likely benign. Review status: criteria provided, multiple submitters, no conflicts (2 of 4 stars). 5 submissions from 5 submitters: Benign (2); Likely benign (2). 1 of the submissions does not count toward it. Last evaluated 2026-02-01.

Conditions:
GLDC-related disorder. Also called: GLDC-related condition.
Glycine encephalopathy. Also called: Non-ketotic hyperglycinemia; Nonketotic hyperglycinemia. Identifiers: Orphanet 407, MedGen C0751748, MONDO:0011612, HP:0008288.

Submissions (5):

Labcorp Genetics (formerly Invitae), Labcorp
Classification: Benign for Glycine encephalopathy. Last evaluated: 2026-02-01. Review status: criteria provided, single submitter. Criteria: Invitae Variant Classification Sherloc (09022015). Collection method: clinical testing. Allele origin: germline.

PreventionGenetics, part of Exact Sciences
Classification: Benign for GLDC-related condition. Last evaluated: 2024-10-03. Review status: criteria provided, single submitter. Criteria: ACMG Guidelines, 2015. Collection method: clinical testing. Allele origin: germline.
Comment: This variant is classified as benign based on ACMG/AMP sequence variant interpretation guidelines (Richards et al. 2015 PMID: 25741868, with internal and published modifications).

Blueprint Genetics
Classification: Likely benign. Last evaluated: 2023-07-27. Review status: criteria provided, single submitter. Criteria: ACMG Guidelines, 2015. Collection method: clinical testing. Allele origin: germline.

GeneDx
Classification: Likely benign. Last evaluated: 2020-10-09. Review status: criteria provided, single submitter. Criteria: GeneDx Variant Classification Process June 2021. Collection method: clinical testing. Allele origin: germline. Affected: yes.

Natera, Inc.
Classification: Likely benign for Non-ketotic hyperglycinemia. Last evaluated: 2019-09-27. Review status: no assertion criteria provided. Collection method: clinical testing. Allele origin: germline. Not counted in ClinVar's aggregate classification.